The following is an entry in ClinVar:

ClinVar aggregate classification (germline): Likely benign. Review status: criteria provided, multiple submitters, no conflicts (2 of 4 stars). 2 submissions from 2 submitters: Likely benign (2). Last evaluated 2018-06-19.

Allele frequency attached by ClinVar (database versions not stated): 1000 Genomes Project 30x 0.00453; 1000 Genomes Project 0.00499; ESP Exome Variant Server 0.00517; gnomAD 0.00541; TOPMed 0.00586.
gnomAD v4.1: 1,452 of 1,348,154 alleles (0.11%); highest among the groups gnomAD compares: African/African-American, 1.9%; 13 homozygotes.

Submissions (2):

GeneDx
Classification: Likely benign. Last evaluated: 2018-06-19. Review status: criteria provided, single submitter. Criteria: GeneDx Variant Classification (06012015). Collection method: clinical testing. Allele origin: germline. Affected: yes.
Comment: This variant is considered likely benign or benign based on one or more of the following criteria: it is a conservative change, it occurs at a poorly conserved position in the protein, it is predicted to be benign by multiple in silico algorithms, and/or has population frequency not consistent with disease.

Breakthrough Genomics
Classification: Likely benign. Review status: criteria provided, single submitter. Criteria: ACMG Guidelines, 2015. Collection method: not provided. Allele origin: germline. Inheritance: Autosomal recessive inheritance. Affected: yes.

NM_006767.4(LZTR1):c.1150-35C>T

Gene: LZTR1 (leucine zipper like post translational regulator 1; plus strand). Cytogenetic location: 22q11.21.
Variant type: single nucleotide variant.
Coding change: c.1150-35C>T on transcript NM_006767.4 (MANE Select); 35 bases into the intron before coding-DNA position 1150, C replaced by T.
Molecular consequence: intron variant.
Genome position (GRCh38, 1-based): chr22:20,992,759, C>T. VCF-style: chr22-20992759-C-T. GRCh37 (hg19) VCF-style: chr22-21347048-C-T.
Identifiers: ClinVar variation 561423 (VCV000561423.2), dbSNP rs73879466, ClinGen allele CA10118746.